The following is an entry in ClinVar:

ClinVar aggregate classification (germline): Pathogenic (1 of 4 stars; one submission).

gnomAD v4.1: 1 of 1,595,578 alleles (0.000063%); highest among the groups gnomAD compares: Non-Finnish European, 0.000085%; no homozygotes.

Submission:

Labcorp Genetics (formerly Invitae), Labcorp
Classification: Pathogenic. Last evaluated: 2025-07-21. Review status: criteria provided, single submitter. Criteria: Invitae Variant Classification Sherloc (09022015). Collection method: clinical testing. Allele origin: germline.
Comment: This sequence change creates a premature translational stop signal (p.Tyr18*) in the PTHLH gene. It is expected to result in an absent or disrupted protein product. Loss-of-function variants in PTHLH are known to be pathogenic (PMID: 20170896, 26640227, 26763883). This variant is not present in population databases (gnomAD no frequency). This variant has not been reported in the literature in individuals affected with PTHLH-related conditions. ClinVar contains an entry for this variant (Variation ID: 2109885). For these reasons, this variant has been classified as Pathogenic.

Literature cited by the submitters: PubMed 20170896; PubMed 26640227; PubMed 26763883.

NM_198965.2(PTHLH):c.54C>A (p.Tyr18Ter)

Gene: PTHLH (parathyroid hormone like hormone; minus strand). Cytogenetic location: 12p11.22.
Variant type: single nucleotide variant.
Coding change: c.54C>A on transcript NM_198965.2 (MANE Select); coding-DNA position 54, C replaced by A.
Protein change: p.Tyr18Ter; replaces tyrosine 18 with a stop codon.
Molecular consequence: nonsense.
Genome position (GRCh38, 1-based): chr12:27,969,441, G>T on the plus strand (C>A on the coding strand, the complement: PTHLH is on the minus strand). VCF-style: chr12-27969441-G-T. GRCh37 (hg19) VCF-style: chr12-28122374-G-T.
Other names: c.54C>A, p.Tyr18Ter (NM_198966.2, NM_002820.3, NM_198964.2); short protein forms Y18*.
Identifiers: ClinVar variation 2109885 (VCV002109885.4), dbSNP rs1403686641, ClinGen allele CA384339757.